The following is an entry in ClinVar:

ClinVar aggregate classification (germline): Uncertain significance (1 of 4 stars; one submission).

Submission:

GeneDx
Classification: Uncertain significance. Last evaluated: 2025-10-30. Review status: criteria provided, single submitter. Criteria: GeneDx Variant Classification Process June 2021. Collection method: clinical testing. Allele origin: germline.
Comment: In-frame deletion of 1 amino acid in a non-repeat region; Not observed at significant frequency in large population cohorts (gnomAD); In silico analysis supports a deleterious effect on protein structure/function; Has not been previously published as pathogenic or benign to our knowledge

NM_182931.3(KMT2E):c.2606CAC[1] (p.Pro870del)

Gene: KMT2E (lysine methyltransferase 2E (inactive); plus strand). Cytogenetic location: 7q22.3.
Variant type: Microsatellite.
Coding change: c.2606CAC[1] on transcript NM_182931.3 (MANE Select); one copy of the 3-base unit CAC starting at c.2606; the reference has two copies in a row; one copy, 3 bases deleted.
Protein change: p.Pro870del; deletes proline 870.
Molecular consequence: inframe deletion.
Genome position (GRCh38, 1-based): chr7:105,106,534-105,106,536, CAC deleted; deleting any 3 consecutive bases within chr7:105,106,531-105,106,536 gives the same sequence; the position shown is the placement nearest the transcript's 3' end. VCF-style (leftmost placement, unchanged base first): chr7-105106530-ACAC-A. GRCh37 (hg19) VCF-style: chr7-104746977-ACAC-A.
Other names: c.2606CAC[1], p.Pro870del (NM_001410908.1, NM_018682.4); short protein forms P870del.
Identifiers: ClinVar variation 2504708 (VCV002504708.2), dbSNP rs2536505933, ClinGen allele CA2580617061.